The following is an entry in ClinVar:

NM_014319.5(LEMD3):c.2086A>G (p.Ile696Val)

Gene: LEMD3 (LEM domain containing 3; plus strand). Cytogenetic location: 12q14.3.
Variant type: single nucleotide variant.
Coding change: c.2086A>G on transcript NM_014319.5 (MANE Select); coding-DNA position 2086, A replaced by G.
Protein change: p.Ile696Val; replaces isoleucine 696 with valine.
Molecular consequence: missense variant.
Genome position (GRCh38, 1-based): chr12:65,240,198, A>G. VCF-style: chr12-65240198-A-G. GRCh37 (hg19) VCF-style: chr12-65633978-A-G.
Other names: c.2083A>G, p.Ile695Val (NM_001167614.2); short protein forms I695V, I696V.
Identifiers: ClinVar variation 2884394 (VCV002884394.3), dbSNP rs762830732, ClinGen allele CA6671129.
Genomic context (GRCh38, chr12:65,240,198, plus strand): 5'-GTTTTACGAAGTCATAATGAAGCCTGCCAGGAAAACAAAGATTTACAACCTTACATGCCT[A>G]TTCCACATGTACGCGATTCCTTAATACAGCCTCATGACAGGTGTGTTCAAAGCATTATGA-3'
Protein context (NP_055134.2, residues 686-706): ENKDLQPYMP[Ile696Val]PHVRDSLIQP

ClinVar aggregate classification (germline): Uncertain significance (1 of 4 stars; one submission).

Allele frequency attached by ClinVar (database versions not stated): TOPMed 0.00002; gnomAD 0.00001; gnomAD exomes 0.00002; ExAC 0.00002.
gnomAD v4.1: 37 of 1,613,748 alleles (0.0023%); highest among the groups gnomAD compares: Non-Finnish European, 0.0028%; no homozygotes.

Submission:

Labcorp Genetics (formerly Invitae), Labcorp
Classification: Uncertain significance. Last evaluated: 2025-11-13. Review status: criteria provided, single submitter. Criteria: Invitae Variant Classification Sherloc (09022015). Collection method: clinical testing. Allele origin: germline.
Comment: This sequence change replaces isoleucine, which is neutral and non-polar, with valine, which is neutral and non-polar, at codon 696 of the LEMD3 protein (p.Ile696Val). This variant is present in population databases (rs762830732, gnomAD 0.007%). This variant has not been reported in the literature in individuals affected with LEMD3-related conditions. ClinVar contains an entry for this variant (Variation ID: 2884394). Invitae Evidence Modeling of protein sequence and biophysical properties (such as structural, functional, and spatial information, amino acid conservation, physicochemical variation, residue mobility, and thermodynamic stability) indicates that this missense variant is not expected to disrupt LEMD3 protein function with a negative predictive value of 80%. In summary, the available evidence is currently insufficient to determine the role of this variant in disease. Therefore, it has been classified as a Variant of Uncertain Significance.